The following is an entry in ClinVar:

ClinVar aggregate classification (germline): Uncertain significance (1 of 4 stars; one submission).

Conditions:
Limb-mammary syndrome (LMS). Also called: Mammary hypoplasia, ectrodactyly, and other hand/foot anomalies. Identifiers: Orphanet 69085, MedGen C1863753, MONDO:0011334, OMIM 603543.

Submission:

Centre for Mendelian Genomics, University Medical Centre Ljubljana
Classification: Uncertain significance for Limb-mammary syndrome. Last evaluated: 2019-04-17. Review status: criteria provided, single submitter. Criteria: ACMG Guidelines, 2015. Collection method: clinical testing. Allele origin: unknown. Affected: yes.
Comment: This variant was classified as: Uncertain significance. The available evidence on this variant's pathogenicity is insufficient or conflicting. The following ACMG criteria were applied in classifying this variant: PM2,PP2.

NM_003722.5(TP63):c.1169T>A (p.Ile390Asn)

Gene: TP63 (tumor protein p63; plus strand). Cytogenetic location: 3q28.
Variant type: single nucleotide variant.
Coding change: c.1169T>A on transcript NM_003722.5 (MANE Select); coding-DNA position 1169, T replaced by A.
Protein change: p.Ile390Asn; replaces isoleucine 390 with asparagine.
Molecular consequence: missense variant.
Genome position (GRCh38, 1-based): chr3:189,869,363, T>A. VCF-style: chr3-189869363-T-A. GRCh37 (hg19) VCF-style: chr3-189587152-T-A.
Other names: c.1169T>A, p.Ile390Asn (NM_001114978.2, NM_001114979.2, NM_001329144.2); c.887T>A, p.Ile296Asn (NM_001114980.2, NM_001114981.2, NM_001114982.2 and 1 more transcripts); c.632T>A, p.Ile211Asn (NM_001329146.2); c.1157T>A, p.Ile386Asn (NM_001329148.2); c.875T>A, p.Ile292Asn (NM_001329149.2); c.620T>A, p.Ile207Asn (NM_001329150.2); c.1163T>A, p.Ile388Asn (NM_001329964.2); short protein forms I207N, I386N, I292N, I296N, I390N, I211N, I388N.
Identifiers: ClinVar variation 931401 (VCV000931401.3), dbSNP rs1718128235, ClinGen allele CA355755514.